The following is an entry in ClinVar:

NM_001913.5(CUX1):c.1564-5C>A

Gene: CUX1 (cut like homeobox 1; plus strand). Cytogenetic location: 7q22.1.
Variant type: single nucleotide variant.
Coding change: c.1564-5C>A on transcript NM_001913.5 (MANE Plus Clinical); 5 bases into the intron before coding-DNA position 1564, C replaced by A.
Molecular consequence: intron variant.
Genome position (GRCh38, 1-based): chr7:102,277,944, C>A. VCF-style: chr7-102277944-C-A. GRCh37 (hg19) VCF-style: chr7-101921215-C-A.
Other names: c.1558-5C>A (NM_181500.4); c.1426-5C>A (NM_001202545.3); c.1516-5C>A (NM_001202544.3); c.1447-5C>A (NM_001202546.3).
Identifiers: ClinVar variation 3388545 (VCV003388545.14).

ClinVar aggregate classification (germline): Likely benign (1 of 4 stars; one submission).

gnomAD v4.1: 278 of 1,500,194 alleles (0.019%); highest among the groups gnomAD compares: South Asian, 0.25%; 2 homozygotes.

Submission:

CeGaT Center for Human Genetics Tuebingen
Classification: Likely benign. Last evaluated: 2026-07-01. Review status: criteria provided, single submitter. Criteria: CeGaT Center For Human Genetics Tuebingen Variant Classification Criteria Version 2. Collection method: clinical testing. Allele origin: germline. Affected: yes. Observed: 2 variant alleles.
Comment: CUX1: BP4, BS1